The following is an entry in ClinVar:

NM_000245.4(MET):c.2005A>G (p.Met669Val)

Gene: MET (MET proto-oncogene, receptor tyrosine kinase; plus strand). Cytogenetic location: 7q31.2.
Variant type: single nucleotide variant.
Coding change: c.2005A>G on transcript NM_000245.4 (MANE Select); coding-DNA position 2005, A replaced by G.
Protein change: p.Met669Val; replaces methionine 669 with valine.
Molecular consequence: missense variant.
Genome position (GRCh38, 1-based): chr7:116,757,677, A>G. VCF-style: chr7-116757677-A-G. GRCh37 (hg19) VCF-style: chr7-116397731-A-G.
Other names: c.2005A>G, p.Met669Val (NM_001127500.3, NM_001324401.3); c.715A>G, p.Met239Val (NM_001324402.2); short protein forms M239V, M669V.
Identifiers: ClinVar variation 646359 (VCV000646359.13), dbSNP rs1344902873, ClinGen allele CA368979718.
Genomic context (GRCh38, chr7:116,757,677, plus strand): 5'-TTGTTTTTATCTCCCCTCCAGGATCCTGTAATAACAAGTATTTCGCCGAAATACGGTCCT[A>G]TGGCTGGTGGCACTTTACTTACTTTAACTGGAAATTACCTAAACAGTGGGAATTCTAGAC-3'
Protein context (NP_000236.2, residues 659-679): ITSISPKYGP[Met669Val]AGGTLLTLTG

ClinVar aggregate classification (germline): Conflicting classifications of pathogenicity. Review status: criteria provided, conflicting classifications (1 of 4 stars). 2 submissions from 2 submitters: Uncertain significance (1); Likely benign (1). Last evaluated 2026-07-30.

Conditions:
Hereditary cancer-predisposing syndrome. Also called: Neoplastic Syndromes, Hereditary; Hereditary Cancer Syndrome; Hereditary neoplastic syndrome; Tumor predisposition. Identifiers: Orphanet 140162, MedGen C0027672, MeSH D009386, MONDO:0015356.
Renal cell carcinoma. Identifiers: Orphanet 217071, MedGen C0007134, MeSH D002292, MONDO:0005086, HP:0005584.

Allele frequency attached by ClinVar (database versions not stated): gnomAD exomes below 0.00001; TOPMed below 0.00001.
gnomAD v4.1: 1 of 1,614,016 alleles (0.000062%); highest among the groups gnomAD compares: Admixed American, 0.0017%; no homozygotes.

Submissions (2):

Ambry Genetics
Classification: Likely benign for Hereditary cancer-predisposing syndrome. Last evaluated: 2026-07-30. Review status: criteria provided, single submitter. Criteria: Ambry Variant Classification Scheme 2023. Collection method: clinical testing. Allele origin: germline.

Labcorp Genetics (formerly Invitae), Labcorp
Classification: Uncertain significance for Renal cell carcinoma. Last evaluated: 2025-10-20. Review status: criteria provided, single submitter. Criteria: Invitae Variant Classification Sherloc (09022015). Collection method: clinical testing. Allele origin: germline.
Comment: This sequence change replaces methionine, which is neutral and non-polar, with valine, which is neutral and non-polar, at codon 669 of the MET protein (p.Met669Val). This variant is present in population databases (no rsID available, gnomAD 0.003%). This variant has not been reported in the literature in individuals affected with MET-related conditions. ClinVar contains an entry for this variant (Variation ID: 646359). Invitae Evidence Modeling of protein sequence and biophysical properties (such as structural, functional, and spatial information, amino acid conservation, physicochemical variation, residue mobility, and thermodynamic stability) indicates that this missense variant is not expected to disrupt MET protein function with a negative predictive value of 80%. In summary, the available evidence is currently insufficient to determine the role of this variant in disease. Therefore, it has been classified as a Variant of Uncertain Significance.